The following is an entry in ClinVar:

NC_012920.1(MT-ND5):m.12454G>A

Gene: MT-ND5 (mitochondrially encoded NADH dehydrogenase 5; plus strand).
Variant type: single nucleotide variant.
Genome position: chrM-12454-G-A.
Identifiers: ClinVar variation 693447 (VCV000693447.1), dbSNP rs200656196, ClinGen allele CA337099490.

ClinVar aggregate classification (germline): Benign (1 of 4 stars; one submission).

Conditions:
Leigh syndrome (NULS). Also called: Leigh's necrotizing encephalopathy; Leigh's disease; Leigh Syndrome (mtDNA deletion); Leigh Disease; Subacute necrotizing encephalopathy; Necrotizing encephalopathy infantile subacute of Leigh. Identifiers: Orphanet 506, MedGen C2931891, MONDO:0009723, OMIM 256000.

Submission:

Wong Mito Lab, Molecular and Human Genetics, Baylor College of Medicine
Classification: Benign for Leigh syndrome. Last evaluated: 2019-10-17. Review status: criteria provided, single submitter. Criteria: Modified ACMG Guidelines (Unpublished). Collection method: clinical testing. Allele origin: germline.
Comment: The NC_012920.1:m.12454G>A (YP_003024036.1:p.Val40Ile) variant in MTND5 gene is interpretated to be a Benign variant based on the modified ACMG guidelines (unpublished). This variant meets the following evidence codes: BS1, BS2, BP4